The following is an entry in ClinVar:

ClinVar aggregate classification (germline): Likely benign. Review status: criteria provided, multiple submitters, no conflicts (2 of 4 stars). 3 submissions from 3 submitters: Likely benign (3). Last evaluated 2025-06-12.

Conditions:
KIDINS220-related disorder. Also called: KIDINS220-related condition.

Allele frequency attached by ClinVar (database versions not stated): gnomAD 0.00001; ExAC 0.00002.
gnomAD v4.1: 17 of 1,613,736 alleles (0.0011%); highest among the groups gnomAD compares: South Asian, 0.0033%; no homozygotes.

Submissions (3):

Labcorp Genetics (formerly Invitae), Labcorp
Classification: Likely benign. Last evaluated: 2025-06-12. Review status: criteria provided, single submitter. Criteria: Invitae Variant Classification Sherloc (09022015). Collection method: clinical testing. Allele origin: germline.

PreventionGenetics, part of Exact Sciences
Classification: Likely benign for KIDINS220-related condition. Last evaluated: 2024-10-28. Review status: criteria provided, single submitter. Criteria: ACMG Guidelines, 2015. Collection method: clinical testing. Allele origin: germline.
Comment: This variant is classified as likely benign based on ACMG/AMP sequence variant interpretation guidelines (Richards et al. 2015 PMID: 25741868, with internal and published modifications).

Blueprint Genetics
Classification: Likely benign. Last evaluated: 2024-01-31. Review status: criteria provided, single submitter. Criteria: ACMG Guidelines, 2015. Collection method: clinical testing. Allele origin: germline.

NM_020738.4(KIDINS220):c.4143C>T (p.Ala1381=)

Gene: KIDINS220 (kinase D interacting substrate 220; minus strand). Cytogenetic location: 2p25.1.
Variant type: single nucleotide variant.
Coding change: c.4143C>T on transcript NM_020738.4 (MANE Select); coding-DNA position 4143, C replaced by T.
Protein change: p.Ala1381=; no amino-acid change (alanine 1381 retained).
Molecular consequence: synonymous variant. On other transcripts: intron variant (6).
Genome position (GRCh38, 1-based): chr2:8,731,893, G>A on the plus strand (C>T on the coding strand, the complement: KIDINS220 is on the minus strand). VCF-style: chr2-8731893-G-A. GRCh37 (hg19) VCF-style: chr2-8872023-G-A.
Other names: c.4146C>T, p.Ala1382= (NM_001348729.2); c.4089C>T, p.Ala1363= (NM_001348731.2); c.4086C>T, p.Ala1362= (NM_001348732.2); c.3975C>T, p.Ala1325= (NM_001348734.2); c.3972C>T, p.Ala1324= (NM_001348735.2); c.3846C>T, p.Ala1282= (NM_001348736.2); c.3882+1551C>T (NM_001348741.2, NM_001348742.2, NM_001348743.2); c.3996+1551C>T (NM_001348738.2); and 2 more.
Identifiers: ClinVar variation 2143280 (VCV002143280.6), dbSNP rs776324339, ClinGen allele CA1519416.
Genomic context (GRCh38, chr2:8,731,893, plus strand): 5'-GGGGCCCCCTTCTAACTGGGACATCTGAGCAATGTATTCTCTATAGGCATCTCTATACTC[G>A]GCCTGCACCTTATCAGTAAGCTTTGAAATTTCAATACTGGAATCCTGGGAATTGAGACTC-3'
Protein context (NP_065789.1, residues 1371-1391): EISKLTDKVQ[Ala1381=]EYRDAYREYI